The following is an entry in ClinVar:

NM_004329.3(BMPR1A):c.1585del (p.Asp529fs)

Gene: BMPR1A (bone morphogenetic protein receptor type 1A; plus strand). Cytogenetic location: 10q23.2.
Variant type: Deletion.
Coding change: c.1585del on transcript NM_004329.3 (MANE Select); coding-DNA position 1585, one base deleted (G; older notation c.1585delG).
Protein change: p.Asp529fs; shifts the reading frame from aspartic acid 529.
Molecular consequence: frameshift variant. On other transcripts: non-coding transcript variant (3).
Genome position (GRCh38, 1-based): chr10:86,923,705, G deleted. VCF-style (leftmost placement, unchanged base first): chr10-86923704-AG-A. GRCh37 (hg19) VCF-style: chr10-88683461-AG-A.
Other names: c.1585del, p.Asp529fs (NM_001406566.1, NM_001406567.1, NM_001406568.1 and 19 more transcripts); c.1660del, p.Asp554fs (NM_001406559.1); c.1633del, p.Asp545fs (NM_001406560.1); c.1579del, p.Asp527fs (NM_001406583.1); c.1501del, p.Asp501fs (NM_001406584.1, NM_001406585.1, NM_001406586.1 and 2 more transcripts); c.1243del, p.Asp415fs (NM_001406589.1); short protein forms D415fs, D501fs, D527fs, D529fs, D545fs, D554fs.
Identifiers: ClinVar variation 3613011 (VCV003613011.2).
Genomic context (GRCh38, chr10:86,923,704, plus strand): 5'-AGCCTCCAGACTCACAGCATTGAGAATTAAGAAGACGCTTGCCAAGATGGTTGAATCCCA[AG>A]ATGTAAAAATCTGATGGTTAAACCATCGGAGGAGAAACTCTAGACTGCAAGAACTGTTTT-3'

ClinVar aggregate classification (germline): Uncertain significance (1 of 4 stars; one submission).

Conditions:
Juvenile polyposis syndrome (JPS). Identifiers: Orphanet 2929, MedGen C0345893, MONDO:0017380, OMIM 174900.

Submission:

Labcorp Genetics (formerly Invitae), Labcorp
Classification: Uncertain significance for Juvenile polyposis syndrome. Last evaluated: 2024-09-28. Review status: criteria provided, single submitter. Criteria: Invitae Variant Classification Sherloc (09022015). Collection method: clinical testing. Allele origin: germline.
Comment: This sequence change creates a premature translational stop signal (p.Asp529Metfs*2) in the BMPR1A gene. While this is not anticipated to result in nonsense mediated decay, it is expected to disrupt the last 4 amino acid(s) of the BMPR1A protein. This variant is not present in population databases (gnomAD no frequency). This variant has not been reported in the literature in individuals affected with BMPR1A-related conditions. Experimental studies and prediction algorithms are not available or were not evaluated, and the functional significance of this variant is currently unknown. In summary, the available evidence is currently insufficient to determine the role of this variant in disease. Therefore, it has been classified as a Variant of Uncertain Significance.